The following is an entry in ClinVar:

ClinVar aggregate classification (germline): Conflicting classifications of pathogenicity. Review status: criteria provided, conflicting classifications (1 of 4 stars). 10 submissions from 10 submitters: Uncertain significance (7); Likely benign (2). 1 of the submissions does not count toward it. Last evaluated 2026-01-20.

Conditions:
MSH6-related disorder. Also called: MSH6-related condition; MSH6-Related disorders.
Hereditary nonpolyposis colorectal neoplasms. Identifiers: MedGen C0009405, MeSH D003123.
Hereditary cancer-predisposing syndrome. Also called: Neoplastic Syndromes, Hereditary; Tumor predisposition; Hereditary neoplastic syndrome; Hereditary Cancer Syndrome. Identifiers: Orphanet 140162, MedGen C0027672, MeSH D009386, MONDO:0015356.
Lynch syndrome 5 (LYNCH5). Also called: Colorectal cancer, hereditary nonpolyposis, type 5; Hereditary non-polyposis colorectal cancer, type 5. Identifiers: Orphanet 144, MedGen C1833477, MONDO:0013710, OMIM 614350. Disease mechanism: loss of function.

Allele frequency attached by ClinVar (database versions not stated): ExAC 0.00001; TOPMed 0.00003.

Submissions (10):

Labcorp Genetics (formerly Invitae), Labcorp
Classification: Uncertain significance for Hereditary nonpolyposis colorectal neoplasms. Last evaluated: 2026-01-20. Review status: criteria provided, single submitter. Criteria: Invitae Variant Classification Sherloc (09022015). Collection method: clinical testing. Allele origin: germline.
Comment: This sequence change replaces serine, which is neutral and polar, with phenylalanine, which is neutral and non-polar, at codon 346 of the MSH6 protein (p.Ser346Phe). This variant is present in population databases (rs567785169, gnomAD 0.0009%). This variant has not been reported in the literature in individuals affected with MSH6-related conditions. ClinVar contains an entry for this variant (Variation ID: 187718). Invitae Evidence Modeling of protein sequence and biophysical properties (such as structural, functional, and spatial information, amino acid conservation, physicochemical variation, residue mobility, and thermodynamic stability) indicates that this missense variant is not expected to disrupt MSH6 protein function with a negative predictive value of 95%. In summary, the available evidence is currently insufficient to determine the role of this variant in disease. Therefore, it has been classified as a Variant of Uncertain Significance.

PreventionGenetics, part of Exact Sciences
Classification: Uncertain significance for MSH6-related condition. Last evaluated: 2025-01-30. Review status: criteria provided, single submitter. Criteria: ACMG Guidelines, 2015. Collection method: clinical testing. Allele origin: germline.
Comment: The MSH6 c.1037C>T variant is predicted to result in the amino acid substitution p.Ser346Phe. This variant has been reported in one individual with breast cancer and two healthy control individuals (Breast Cancer Association Consortium et al. 2021. PubMed ID: 33471991). This variant is reported in 0.00088% of alleles in individuals of European (Non-Finnish) descent in gnomAD. This variant has conflicting interpretations of pathogenicity ranging from likely benign to uncertain. At this time, the clinical significance of this variant is uncertain due to the absence of conclusive functional and genetic evidence.

Color Diagnostics, LLC DBA Color Health
Classification: Likely benign for Hereditary cancer-predisposing syndrome. Last evaluated: 2024-10-09. Review status: criteria provided, single submitter. Criteria: ACMG Guidelines, 2015. Collection method: clinical testing. Allele origin: germline.

GeneDx
Classification: Uncertain significance. Last evaluated: 2024-02-20. Review status: criteria provided, single submitter. Criteria: GeneDx Variant Classification Process June 2021. Collection method: clinical testing. Allele origin: germline. Affected: yes.
Comment: Not observed at significant frequency in large population cohorts (gnomAD); In silico analysis supports that this missense variant does not alter protein structure/function; This variant is associated with the following publications: (PMID: 21437237, 33471991, 31391288, 17531815, 38136308)

Myriad Genetics, Inc.
Classification: Uncertain significance for Lynch syndrome 5. Last evaluated: 2023-03-28. Review status: criteria provided, single submitter. Criteria: Myriad Autosomal Dominant, Autosomal Recessive and X-Linked Classification Criteria (2023). Collection method: clinical testing. Allele origin: unknown.
Comment: This variant is classified as a variant of uncertain significance as there is insufficient evidence to determine its impact on protein function and/or cancer risk.

Mayo Clinic Laboratories, Mayo Clinic
Classification: Uncertain significance. Last evaluated: 2022-12-28. Review status: criteria provided, single submitter. Criteria: ACMG Guidelines, 2015. Collection method: clinical testing. Allele origin: germline. Observed: 2 variant alleles.
Comment: BP4, PM2

Quest Diagnostics Nichols Institute San Juan Capistrano
Classification: Uncertain significance. Last evaluated: 2022-10-04. Review status: criteria provided, single submitter. Criteria: Quest Diagnostics criteria. Collection method: clinical testing. Allele origin: unknown.
Comment: The frequency of this variant in the general population, 0.000004 (1/251290 chromosomes), is uninformative in assessment of its pathogenicity. In a large-scale breast cancer association study, the variant was observed in individuals with breast cancer as well as in healthy controls (PMID: 33471991 (2021)), see also LOVD). Analysis of this variant using bioinformatics tools for the prediction of the effect of amino acid changes on protein structure and function yielded predictions that this variant is benign. Based on the available information, we are unable to determine the clinical significance of this variant.

Ambry Genetics
Classification: Likely benign for Hereditary cancer-predisposing syndrome. Last evaluated: 2021-12-13. Review status: criteria provided, single submitter. Criteria: Ambry Variant Classification Scheme 2023. Collection method: clinical testing. Allele origin: germline.

Laboratory for Molecular Medicine, Mass General Brigham Personalized Medicine
Classification: Uncertain significance. Last evaluated: 2016-10-26. Review status: criteria provided, single submitter. Criteria: LMM Criteria. Collection method: clinical testing. Allele origin: germline.
Comment: Variant identified in a genome or exome case(s) and assessed due to predicted null impact of the variant or pathogenic assertions in the literature or databases. Disclaimer: This variant has not undergone full assessment. The following are preliminary notes: The p.Ser346Phe variant in MSH6 has not been previously reported in individuals with colorectal cancer. This variant has been identified in 1/66640 European chromosomes by the Exome Aggregation Consortium (ExAC; dbSNP rs567785169). Serine (Ser) at position 346 is not conserved in mammals or evolutionarily distant species and 36 species (including 3 mammals) carry a Phenylalanine (Phe), raising the possibility that this change may be tolerated. Additional computational prediction tools suggest that the p.Ser346Phe variant may not impact the protein, though this information is not predictive enough to rule out pathogenicity. In summary, the clinical significance of the p.Ser346Phe variant is uncertain.

Counsyl
Classification: Uncertain significance for Lynch syndrome 5. Last evaluated: 2017-12-14. Review status: no assertion criteria provided. Collection method: clinical testing. Allele origin: unknown. Not counted in ClinVar's aggregate classification.

Literature cited by the submitters: PubMed 33471991 (cited by Quest Diagnostics Nichols Institute San Juan Capistrano); PubMed 17531815 (cited by Ambry Genetics); PubMed 31391288 (cited by Ambry Genetics).

NM_000179.3(MSH6):c.1037C>T (p.Ser346Phe)

Gene: MSH6 (mutS homolog 6; plus strand). Cytogenetic location: 2p16.3.
Variant type: single nucleotide variant.
Coding change: c.1037C>T on transcript NM_000179.3 (MANE Select); coding-DNA position 1037, C replaced by T.
Protein change: p.Ser346Phe; replaces serine 346 with phenylalanine.
Molecular consequence: missense variant.
Genome position (GRCh38, 1-based): chr2:47,799,020, C>T. VCF-style: chr2-47799020-C-T. GRCh37 (hg19) VCF-style: chr2-48026159-C-T.
Other names: c.647C>T, p.Ser216Phe (NM_001281492.2); c.131C>T, p.Ser44Phe (NM_001281493.2, NM_001281494.2); short protein forms S346F, S216F, S44F.
Identifiers: ClinVar variation 187718 (VCV000187718.39), dbSNP rs567785169, ClinGen allele CA007847.
Genomic context (GRCh38, chr2:47,799,020, plus strand): 5'-CAACTAGCATTTCATCAGAAACCAAGAATACTTTGAGAGCTTTCTCTGCCCCTCAAAATT[C>T]TGAATCCCAAGCCCACGTTAGTGGAGGTGGTGATGACAGTAGTCGCCCTACTGTTTGGTA-3'
Protein context (NP_000170.1, residues 336-356): TLRAFSAPQN[Ser346Phe]ESQAHVSGGG